The following is an entry in ClinVar:

NM_006231.4(POLE):c.579-15C>G

Gene: POLE (DNA polymerase epsilon, catalytic subunit; minus strand). Cytogenetic location: 12q24.33.
Variant type: single nucleotide variant.
Coding change: c.579-15C>G on transcript NM_006231.4 (MANE Select); 15 bases into the intron before coding-DNA position 579, C replaced by G.
Molecular consequence: intron variant.
Genome position (GRCh38, 1-based): chr12:132,677,734, G>C on the plus strand (C>G on the coding strand, the complement: POLE is on the minus strand). VCF-style: chr12-132677734-G-C. GRCh37 (hg19) VCF-style: chr12-133254320-G-C.
Identifiers: ClinVar variation 387120 (VCV000387120.8), dbSNP rs368482979, ClinGen allele CA6894262.

ClinVar aggregate classification (germline): Likely benign. Review status: criteria provided, multiple submitters, no conflicts (2 of 4 stars). 2 submissions from 2 submitters: Likely benign (2). Last evaluated 2026-01-18.

Allele frequency attached by ClinVar (database versions not stated): gnomAD 0.00002; ESP Exome Variant Server 0.00008; gnomAD exomes below 0.00001; ExAC 0.00001; TOPMed 0.00001.
gnomAD v4.1: 5 of 1,612,542 alleles (0.00031%); highest among the groups gnomAD compares: African/African-American, 0.0013%; no homozygotes.

Submissions (2):

Labcorp Genetics (formerly Invitae), Labcorp
Classification: Likely benign. Last evaluated: 2026-01-18. Review status: criteria provided, single submitter. Criteria: Invitae Variant Classification Sherloc (09022015). Collection method: clinical testing. Allele origin: germline.

GeneDx
Classification: Likely benign. Last evaluated: 2016-06-20. Review status: criteria provided, single submitter. Criteria: GeneDx Variant Classification (06012015). Collection method: clinical testing. Allele origin: germline. Affected: yes.
Comment: This variant is considered likely benign or benign based on one or more of the following criteria: it is a conservative change, it occurs at a poorly conserved position in the protein, it is predicted to be benign by multiple in silico algorithms, and/or has population frequency not consistent with disease.